The following is an entry in ClinVar:

NM_001987.5(ETV6):c.463+5558_463+5560del

Gene: ETV6 (ETS variant transcription factor 6; plus strand). Cytogenetic location: 12p13.2.
Variant type: Deletion.
Coding change: c.463+5558_463+5560del on transcript NM_001987.5 (MANE Select); bases 5558 to 5560 of the intron after coding-DNA position 463, 3 bases deleted (GTT; older notation c.463+5558_463+5560delGTT).
Molecular consequence: intron variant.
Genome position (GRCh38, 1-based): chr12:11,859,119-11,859,121, GTT deleted. VCF-style (leftmost placement, unchanged base first): chr12-11859118-GGTT-G. GRCh37 (hg19) VCF-style: chr12-12012052-GGTT-G.
Other names: c.436+5558_436+5560del (NM_001413914.1); c.463+5558_463+5560del (NM_001413917.1, NM_001413916.1); c.460+5558_460+5560del (NM_001413913.1); c.199+5558_199+5560del (NM_001413915.1).
Identifiers: ClinVar variation 2642724 (VCV002642724.24), dbSNP rs1171351765, ClinGen allele CA684245709.
Genomic context (GRCh38, chr12:11,859,118, plus strand): 5'-CAGAAGGAAGTTGTATACAATTTTAATGAGATAATTAAAGAAGATGAGGTATATGAATCT[GGTT>G]TTTTTTTTTTTTTTTTTTTTTTTTTTTTTTTTTTTTTTGAGAAGGAGTCTTGCTCTGTCG-3'

ClinVar aggregate classification (germline): Benign (1 of 4 stars; one submission).

Allele frequency attached by ClinVar (database versions not stated): gnomAD 0.00785.

Submission:

CeGaT Center for Human Genetics Tuebingen
Classification: Benign. Last evaluated: 2025-11-01. Review status: criteria provided, single submitter. Criteria: CeGaT Center For Human Genetics Tuebingen Variant Classification Criteria Version 2. Collection method: clinical testing. Allele origin: germline. Affected: yes. Observed: 2 variant alleles.
Comment: ETV6: BS1, BS2